The following is an entry in ClinVar:

NM_000492.4(CFTR):c.1210-34=

Genes: CFTR (CF transmembrane conductance regulator; plus strand), CFTR-AS1 (CFTR antisense RNA 1; minus strand). Cytogenetic location: 7q31.2.
Variant type: Microsatellite.
Coding change: c.1210-34= on transcript NM_000492.4 (MANE Select); 34 bases into the intron before coding-DNA position 1210, no change from the reference sequence.
Molecular consequence: intron variant.
Genome position: GRCh38: chr7:117,548,607-117,548,628. GRCh37 (hg19): chr7:117,188,661-117,188,682.
Identifiers: ClinVar variation 818109 (VCV000818109.1).

ClinVar aggregate classification (germline): Benign (1 of 4 stars; one submission).

Conditions:
Cystic fibrosis (CF). Also called: MUCOVISCIDOSIS. Identifiers: Orphanet 586, MedGen C0010674, MONDO:0009061, OMIM 219700. Disease mechanism: loss of function.

Submission:

CFTR-France
Classification: Benign for cystic fibrosis. Last evaluated: 2018-01-29. Review status: criteria provided, single submitter. Criteria: Claustres M et al. (Hum Mutat 2017). Collection method: curation. Allele origin: germline. Affected: no.
Comment: the variant does not result in CFTR-RD neither